The following is an entry in ClinVar:

ClinVar aggregate classification (germline): Benign/Likely benign. Review status: criteria provided, multiple submitters, no conflicts (2 of 4 stars). 3 submissions from 3 submitters: Benign (1); Likely benign (1). 1 of the submissions does not count toward it. Last evaluated 2026-01-18.

Conditions:
NBAS-related disorder. Also called: NBAS-related condition.

Allele frequency attached by ClinVar (database versions not stated): gnomAD exomes 0.00041; ExAC 0.00044; 1000 Genomes Project 30x 0.00141; 1000 Genomes Project 0.00160; ESP Exome Variant Server 0.00169; gnomAD 0.00184 and 0.00196; TOPMed 0.00207.
gnomAD v4.1: 600 of 1,613,854 alleles (0.037%); highest among the groups gnomAD compares: African/African-American, 0.68%; 4 homozygotes.

Submissions (3):

Labcorp Genetics (formerly Invitae), Labcorp
Classification: Benign. Last evaluated: 2026-01-18. Review status: criteria provided, single submitter. Criteria: Invitae Variant Classification Sherloc (09022015). Collection method: clinical testing. Allele origin: germline.

Blueprint Genetics
Classification: Likely benign. Last evaluated: 2024-09-26. Review status: criteria provided, single submitter. Criteria: ACMG Guidelines, 2015. Collection method: clinical testing. Allele origin: germline.

PreventionGenetics, part of Exact Sciences
Classification: Likely benign for NBAS-related condition. Last evaluated: 2023-02-13. Review status: no assertion criteria provided. Collection method: clinical testing. Allele origin: germline. Not counted in ClinVar's aggregate classification.
Comment: This variant is classified as likely benign based on ACMG/AMP sequence variant interpretation guidelines (Richards et al. 2015 PMID: 25741868, with internal and published modifications).

NM_015909.4(NBAS):c.6702G>T (p.Leu2234=)

Gene: NBAS (NBAS subunit of NRZ tethering complex; minus strand). Cytogenetic location: 2p24.3.
Variant type: single nucleotide variant.
Coding change: c.6702G>T on transcript NM_015909.4 (MANE Select); coding-DNA position 6702, G replaced by T.
Protein change: p.Leu2234=; no amino-acid change (leucine 2234 retained).
Molecular consequence: synonymous variant. On other transcripts: non-coding transcript variant (1).
Genome position (GRCh38, 1-based): chr2:15,186,751, C>A on the plus strand (G>T on the coding strand, the complement: NBAS is on the minus strand). VCF-style: chr2-15186751-C-A. GRCh37 (hg19) VCF-style: chr2-15326875-C-A.
Identifiers: ClinVar variation 726714 (VCV000726714.14), dbSNP rs61738698, ClinGen allele CA1534930.